The following is an entry in ClinVar:

NM_002334.4(LRP4):c.1985G>A (p.Ser662Asn)

Gene: LRP4 (LDL receptor related protein 4; minus strand). Cytogenetic location: 11p11.2.
Variant type: single nucleotide variant.
Coding change: c.1985G>A on transcript NM_002334.4 (MANE Select); coding-DNA position 1985, G replaced by A.
Protein change: p.Ser662Asn; replaces serine 662 with asparagine.
Molecular consequence: missense variant.
Genome position (GRCh38, 1-based): chr11:46,890,051, C>T on the plus strand (G>A on the coding strand, the complement: LRP4 is on the minus strand). VCF-style: chr11-46890051-C-T. GRCh37 (hg19) VCF-style: chr11-46911602-C-T.
Other names: short protein forms S662N.
Identifiers: ClinVar variation 2023181 (VCV002023181.4), dbSNP rs753672116, ClinGen allele CA5970006.
Genomic context (GRCh38, chr11:46,890,051, plus strand): 5'-TGGAGTTTGTTGCGAATGATTTCCTGGTTCTTCCCCGTAAATTTGTTAGCGCTATTGATG[C>T]TCTTGGTGTGCCAGTCTGTCCAGTACAGGCTGTCTTCAAACACTGTGATGGCGAAGGGAT-3'
Protein context (NP_002325.2, residues 652-672): SLYWTDWHTK[Ser662Asn]INSANKFTGK

ClinVar aggregate classification (germline): Uncertain significance (1 of 4 stars; one submission).

Conditions:
Cenani-Lenz syndactyly syndrome. Also called: CENANI SYNDACTYLISM; SYNDACTYLY, TYPE VII. Identifiers: Orphanet 3258, MedGen C1859309, MONDO:0008931, OMIM 212780.
Sclerosteosis 2 (SOST2). Identifiers: Orphanet 3152, MedGen C3280402, MONDO:0013679, OMIM 614305.
Congenital myasthenic syndrome 17. Identifiers: Orphanet 590, MedGen C4225377, MONDO:0014578, OMIM 616304.

Allele frequency attached by ClinVar (database versions not stated): TOPMed below 0.00001; gnomAD 0.00001; gnomAD exomes 0.00001; ExAC 0.00002.
gnomAD v4.1: 18 of 1,614,022 alleles (0.0011%); highest among the groups gnomAD compares: Non-Finnish European, 0.00042%; no homozygotes.

Submission:

Labcorp Genetics (formerly Invitae), Labcorp
Classification: Uncertain significance for Cenani-Lenz syndactyly syndrome; Sclerosteosis 2; Congenital myasthenic syndrome 17. Last evaluated: 2023-11-01. Review status: criteria provided, single submitter. Criteria: Invitae Variant Classification Sherloc (09022015). Collection method: clinical testing. Allele origin: germline.
Comment: This sequence change replaces serine, which is neutral and polar, with asparagine, which is neutral and polar, at codon 662 of the LRP4 protein (p.Ser662Asn). This variant is present in population databases (rs753672116, gnomAD 0.07%). This variant has not been reported in the literature in individuals affected with LRP4-related conditions. ClinVar contains an entry for this variant (Variation ID: 2023181). Advanced modeling of protein sequence and biophysical properties (such as structural, functional, and spatial information, amino acid conservation, physicochemical variation, residue mobility, and thermodynamic stability) performed at Invitae indicates that this missense variant is not expected to disrupt LRP4 protein function with a negative predictive value of 80%. In summary, the available evidence is currently insufficient to determine the role of this variant in disease. Therefore, it has been classified as a Variant of Uncertain Significance.